The following is an entry in ClinVar:

NM_003079.5(SMARCE1):c.965A>T (p.Glu322Val)

Gene: SMARCE1 (SWI/SNF related BAF chromatin remodeling complex subunit E1; minus strand). Cytogenetic location: 17q21.2.
Variant type: single nucleotide variant.
Coding change: c.965A>T on transcript NM_003079.5 (MANE Select); coding-DNA position 965, A replaced by T.
Protein change: p.Glu322Val; replaces glutamic acid 322 with valine.
Molecular consequence: missense variant.
Genome position (GRCh38, 1-based): chr17:40,630,776, T>A on the plus strand (A>T on the coding strand, the complement: SMARCE1 is on the minus strand). VCF-style: chr17-40630776-T-A. GRCh37 (hg19) VCF-style: chr17-38787028-T-A.
Other names: short protein forms E322V.
Identifiers: ClinVar variation 5029964 (VCV005029964.1).
Genomic context (GRCh38, chr17:40,630,776, plus strand): 5'-GTCTCCATCGGAATGTTCTCGTCGTCTTTCTTCTCCTCGCCTTTGTTAGCTGCTTGTTCT[T>A]CCTCAGGAACGATGCTGCTCTGACTGCGCTCAGCTTGCTCTGCGGCCTCCTTCTCCCTTT-3'
Protein context (NP_003070.3, residues 312-332): ERSQSSIVPE[Glu322Val]EQAANKGEEK

ClinVar aggregate classification (germline): Uncertain significance (1 of 4 stars; one submission).

Conditions:
Hereditary cancer-predisposing syndrome. Also called: Neoplastic Syndromes, Hereditary; Tumor predisposition; Hereditary neoplastic syndrome; Hereditary Cancer Syndrome. Identifiers: Orphanet 140162, MedGen C0027672, MeSH D009386, MONDO:0015356.

Submission:

Ambry Genetics
Classification: Uncertain significance for Hereditary cancer-predisposing syndrome. Last evaluated: 2026-07-01. Review status: criteria provided, single submitter. Criteria: Ambry Variant Classification Scheme 2023. Collection method: clinical testing. Allele origin: germline.
Comment: The p.E322V variant (also known as c.965A>T), located in coding exon 9 of the SMARCE1 gene, results from an A to T substitution at nucleotide position 965. The glutamic acid at codon 322 is replaced by valine, an amino acid with dissimilar properties. This amino acid position is conserved. In addition, this alteration is predicted to be tolerated by in silico analysis. Based on the available evidence, the clinical significance of this variant remains unclear.